The following is an entry in ClinVar:

ClinVar aggregate classification (germline): Uncertain significance (1 of 4 stars; one submission).

Conditions:
Spastic paraplegia. Identifiers: MedGen C0037772, HP:0001258.

Allele frequency attached by ClinVar (database versions not stated): gnomAD exomes below 0.00001; TOPMed 0.00001.
gnomAD v4.1: 1 of 1,614,018 alleles (0.000062%); highest among the groups gnomAD compares: Non-Finnish European, 0.000085%; no homozygotes.

Submission:

Labcorp Genetics (formerly Invitae), Labcorp
Classification: Uncertain significance for Spastic paraplegia. Last evaluated: 2023-10-03. Review status: criteria provided, single submitter. Criteria: Invitae Variant Classification Sherloc (09022015). Collection method: clinical testing. Allele origin: germline.
Comment: This sequence change replaces threonine, which is neutral and polar, with alanine, which is neutral and non-polar, at codon 2247 of the SACS protein (p.Thr2247Ala). This variant is not present in population databases (gnomAD no frequency). This variant has not been reported in the literature in individuals affected with SACS-related conditions. ClinVar contains an entry for this variant (Variation ID: 1435802). Advanced modeling of protein sequence and biophysical properties (such as structural, functional, and spatial information, amino acid conservation, physicochemical variation, residue mobility, and thermodynamic stability) performed at Invitae indicates that this missense variant is not expected to disrupt SACS protein function. In summary, the available evidence is currently insufficient to determine the role of this variant in disease. Therefore, it has been classified as a Variant of Uncertain Significance.

NM_014363.6(SACS):c.6739A>G (p.Thr2247Ala)

Gene: SACS (sacsin molecular chaperone; minus strand). Cytogenetic location: 13q12.12.
Variant type: single nucleotide variant.
Coding change: c.6739A>G on transcript NM_014363.6 (MANE Select); coding-DNA position 6739, A replaced by G.
Protein change: p.Thr2247Ala; replaces threonine 2247 with alanine.
Molecular consequence: missense variant.
Genome position (GRCh38, 1-based): chr13:23,337,137, T>C on the plus strand (A>G on the coding strand, the complement: SACS is on the minus strand). VCF-style: chr13-23337137-T-C. GRCh37 (hg19) VCF-style: chr13-23911276-T-C.
Other names: c.6298A>G, p.Thr2100Ala (NM_001278055.2); short protein forms T2100A, T2247A.
Identifiers: ClinVar variation 1435802 (VCV001435802.6), dbSNP rs1272133291, ClinGen allele CA387520839.